The following is an entry in ClinVar:

NM_000104.4(CYP1B1):c.578C>T (p.Pro193Leu)

Gene: CYP1B1 (cytochrome P450 family 1 subfamily B member 1; minus strand). Cytogenetic location: 2p22.2.
Variant type: single nucleotide variant.
Coding change: c.578C>T on transcript NM_000104.4 (MANE Select); coding-DNA position 578, C replaced by T.
Protein change: p.Pro193Leu; replaces proline 193 with leucine.
Molecular consequence: missense variant.
Genome position (GRCh38, 1-based): chr2:38,074,811, G>A on the plus strand (C>T on the coding strand, the complement: CYP1B1 is on the minus strand). VCF-style: chr2-38074811-G-A. GRCh37 (hg19) VCF-style: chr2-38301954-G-A.
Other names: short protein forms P193L.
Identifiers: ClinVar variation 1172842 (VCV001172842.5), dbSNP rs529769268, ClinGen allele CA1620008.
Genomic context (GRCh38, chr2:38,074,811, plus strand): 5'-CGGCAGCCGAAACACACGGCACTCATGACGTTGGCCACGGCCACGACGGTCAGCGGCCTC[G>A]GGTCGAGGAAGGCGCCGTCCGCGCTGCCGCGCACCAGCAGCGCCACCAGCTCGCGCGCCT-3'
Protein context (NP_000095.2, residues 183-203): RGSADGAFLD[Pro193Leu]RPLTVVAVAN

ClinVar aggregate classification (germline): Conflicting classifications of pathogenicity. Review status: criteria provided, conflicting classifications (1 of 4 stars). 4 submissions from 4 submitters: Likely pathogenic (3); Uncertain significance (1). Last evaluated 2024-03-03.

Conditions:
Glaucoma 3, primary infantile, B. Also called: GLAUCOMA, PRIMARY CONGENITAL, TYPE B; GLC3 type B; Primary congenital glaucoma type 3B; Glaucoma primary congenita type 3B; GLC3B. Identifiers: Orphanet 98976, MedGen C1832977, MONDO:0010968, OMIM 600975.
Glaucoma 3A. Also called: Glaucoma 3, primary congenital, A. Identifiers: Orphanet 98976, Orphanet 98977, MedGen C1856439, MONDO:0009277, OMIM 231300.
Anterior segment dysgenesis 6 (ASGD6). Also called: Anterior segment dysgenesis 6, multiple subtypes. Identifiers: MedGen C4310623, MONDO:0015016, OMIM 617315.
Primary congenital glaucoma. Also called: Primary congenital glaucoma (disease). Identifiers: MedGen C1533041, MONDO:0000365, HP:0008007.

Allele frequency attached by ClinVar (database versions not stated): gnomAD 0.00001 and 0.00003; TOPMed 0.00001; 1000 Genomes Project 30x 0.00031; 1000 Genomes Project 0.00040.
gnomAD v4.1: 73 of 1,577,046 alleles (0.0046%); highest among the groups gnomAD compares: South Asian, 0.076%; no homozygotes.

Submissions (4):

Baylor Genetics
Classification: Likely pathogenic for Anterior segment dysgenesis 6. Last evaluated: 2024-03-03. Review status: criteria provided, single submitter. Criteria: ACMG Guidelines, 2015. Collection method: clinical testing. Allele origin: unknown.

Blueprint Genetics
Classification: Uncertain significance. Last evaluated: 2021-10-01. Review status: criteria provided, single submitter. Criteria: ACMG Guidelines, 2015. Collection method: clinical testing. Allele origin: germline.

Fulgent Genetics
Classification: Likely pathogenic for Glaucoma 3A; Glaucoma 3, primary infantile, B; Anterior segment dysgenesis 6. Last evaluated: 2021-07-06. Review status: criteria provided, single submitter. Criteria: ACMG Guidelines, 2015. Collection method: clinical testing. Allele origin: unknown.

Women's Health and Genetics/Laboratory Corporation of America, LabCorp
Classification: Likely pathogenic for Primary congenital glaucoma. Last evaluated: 2021-05-21. Review status: criteria provided, single submitter. Criteria: LabCorp Variant Classification Summary - May 2015. Collection method: clinical testing. Allele origin: germline.
Comment: Variant summary: CYP1B1 c.578C>T (p.Pro193Leu) results in a non-conservative amino acid change in the encoded protein sequence. Four of five in-silico tools predict a damaging effect of the variant on protein function. The variant allele was found at a frequency of 0.00012 in 176002 control chromosomes, predominantly at a frequency of 0.00081 within the South Asian subpopulation in the gnomAD database. This frequency is not significantly higher than expected for a pathogenic variant in CYP1B1 causing Primary Congenital Glaucoma (0.00081 vs 0.0043), allowing no conclusion about variant significance. c.578C>T has been reported in the literature in multiple individuals affected with Primary Congenital Glaucoma including homozygous and compound heterozygous patients all in Indian cohorts, including in the compound heterozygous state in a proband in a family of two affected generations showing varying severity and manifestations (Panicker_2002, Panicker_2004, Kumar_2007, de Melo_2015, Chakrabarti_2007). These data indicate that the variant is likely to be associated with disease. To our knowledge, no experimental evidence demonstrating an impact on protein function has been reported. No clinical diagnostic laboratories have submitted clinical-significance assessments for this variant to ClinVar after 2014. Based on the evidence outlined above, the variant was classified as likely pathogenic.

Literature cited by the submitters: PubMed 16384942 (cited by Women's Health and Genetics/Laboratory Corporation of America, LabCorp); PubMed 17563717 (cited by Women's Health and Genetics/Laboratory Corporation of America, LabCorp); PubMed 11980847 (cited by Women's Health and Genetics/Laboratory Corporation of America, LabCorp); PubMed 15037581 (cited by Women's Health and Genetics/Laboratory Corporation of America, LabCorp); PubMed 25978063 (cited by Women's Health and Genetics/Laboratory Corporation of America, LabCorp).